The following is an entry in ClinVar:

NM_002972.4(SBF1):c.3695C>G (p.Ser1232Cys)

Gene: SBF1 (SET binding factor 1; minus strand). Cytogenetic location: 22q13.33.
Variant type: single nucleotide variant.
Coding change: c.3695C>G on transcript NM_002972.4 (MANE Select); coding-DNA position 3695, C replaced by G.
Protein change: p.Ser1232Cys; replaces serine 1232 with cysteine.
Molecular consequence: missense variant.
Genome position (GRCh38, 1-based): chr22:50,459,386, G>C on the plus strand (C>G on the coding strand, the complement: SBF1 is on the minus strand). VCF-style: chr22-50459386-G-C. GRCh37 (hg19) VCF-style: chr22-50897815-G-C.
Other names: c.3698C>G, p.Ser1233Cys (NM_001365819.1); short protein forms S1233C, S1232C.
Identifiers: ClinVar variation 1483887 (VCV001483887.7), dbSNP rs1227235340, ClinGen allele CA412203541.

ClinVar aggregate classification (germline): Uncertain significance (1 of 4 stars; one submission).

Allele frequency attached by ClinVar (database versions not stated): TOPMed below 0.00001; gnomAD 0.00001.
gnomAD v4.1: 4 of 1,612,168 alleles (0.00025%); highest among the groups gnomAD compares: Admixed American, 0.0017%; no homozygotes.

Submission:

Labcorp Genetics (formerly Invitae), Labcorp
Classification: Uncertain significance. Last evaluated: 2021-03-23. Review status: criteria provided, single submitter. Criteria: Invitae Variant Classification Sherloc (09022015). Collection method: clinical testing. Allele origin: germline.
Comment: This variant is not present in population databases (ExAC no frequency). This sequence change replaces serine with cysteine at codon 1232 of the SBF1 protein (p.Ser1232Cys). The serine residue is moderately conserved and there is a moderate physicochemical difference between serine and cysteine. This variant has not been reported in the literature in individuals with SBF1-related conditions. Algorithms developed to predict the effect of missense changes on protein structure and function are either unavailable or do not agree on the potential impact of this missense change (SIFT: "Deleterious"; PolyPhen-2: "Possibly Damaging"; Align-GVGD: "Class C0"). In summary, the available evidence is currently insufficient to determine the role of this variant in disease. Therefore, it has been classified as a Variant of Uncertain Significance.